The following is an entry in ClinVar:

NM_003823.4(TNFRSF6B):c.69G>A (p.Pro23=)

Genes: RTEL1-TNFRSF6B (RTEL1-TNFRSF6B readthrough (NMD candidate); plus strand), TNFRSF6B (TNF receptor superfamily member 6b; plus strand). Cytogenetic location: 20q13.33.
Variant type: single nucleotide variant.
Coding change: c.69G>A on transcript NM_003823.4 (MANE Select); coding-DNA position 69, G replaced by A.
Protein change: p.Pro23=; no amino-acid change (proline 23 retained).
Molecular consequence: synonymous variant. On other transcripts: non-coding transcript variant (1).
Genome position (GRCh38, 1-based): chr20:63,696,836, G>A. VCF-style: chr20-63696836-G-A. GRCh37 (hg19) VCF-style: chr20-62328189-G-A.
Other names: c.69G>A (NM_003823.3).
Identifiers: ClinVar variation 1633544 (VCV001633544.10), dbSNP rs140974898, ClinGen allele CA9966303.

ClinVar aggregate classification (germline): Likely benign. Review status: criteria provided, single submitter (1 of 4 stars). 2 submissions from 2 submitters: Likely benign (1). 1 of the submissions does not count toward it. Last evaluated 2025-11-18.

Conditions:
TNFRSF6B-related disorder. Also called: TNFRSF6B-related condition.

Allele frequency attached by ClinVar (database versions not stated): gnomAD exomes 0.00005 and 0.00009; ExAC 0.00014; TOPMed 0.00022; ESP Exome Variant Server 0.00023; gnomAD 0.00023 and 0.00025.

Submissions (2):

Labcorp Genetics (formerly Invitae), Labcorp
Classification: Likely benign. Last evaluated: 2025-11-18. Review status: criteria provided, single submitter. Criteria: Invitae Variant Classification Sherloc (09022015). Collection method: clinical testing. Allele origin: germline.

PreventionGenetics, part of Exact Sciences
Classification: Likely benign for TNFRSF6B-related condition. Last evaluated: 2023-06-08. Review status: no assertion criteria provided. Collection method: clinical testing. Allele origin: germline. Not counted in ClinVar's aggregate classification.
Comment: This variant is classified as likely benign based on ACMG/AMP sequence variant interpretation guidelines (Richards et al. 2015 PMID: 25741868, with internal and published modifications).